The following is an entry in ClinVar:

ClinVar aggregate classification (germline): Uncertain significance (1 of 4 stars; one submission).

Allele frequency attached by ClinVar (database versions not stated): gnomAD exomes below 0.00001 and 0.00001; ExAC 0.00004.
gnomAD v4.1: 3 of 1,575,074 alleles (0.00019%); highest among the groups gnomAD compares: Middle Eastern, 0.017%; no homozygotes.

Submission:

Labcorp Genetics (formerly Invitae), Labcorp
Classification: Uncertain significance. Last evaluated: 2022-08-09. Review status: criteria provided, single submitter. Criteria: Invitae Variant Classification Sherloc (09022015). Collection method: clinical testing. Allele origin: germline.
Comment: This sequence change replaces histidine, which is basic and polar, with arginine, which is basic and polar, at codon 121 of the DVL1 protein (p.His121Arg). In summary, the available evidence is currently insufficient to determine the role of this variant in disease. Therefore, it has been classified as a Variant of Uncertain Significance. Algorithms developed to predict the effect of sequence changes on RNA splicing suggest that this variant may create or strengthen a splice site. Algorithms developed to predict the effect of missense changes on protein structure and function (SIFT, PolyPhen-2, Align-GVGD) all suggest that this variant is likely to be tolerated. ClinVar contains an entry for this variant (Variation ID: 1369173). This variant has not been reported in the literature in individuals affected with DVL1-related conditions. The frequency data for this variant in the population databases is considered unreliable, as metrics indicate poor data quality at this position in the gnomAD database.

NM_001330311.2(DVL1):c.362A>G (p.His121Arg)

Gene: DVL1 (dishevelled segment polarity protein 1; minus strand). Cytogenetic location: 1p36.33.
Variant type: single nucleotide variant.
Coding change: c.362A>G on transcript NM_001330311.2 (MANE Select); coding-DNA position 362, A replaced by G.
Protein change: p.His121Arg; replaces histidine 121 with arginine.
Molecular consequence: missense variant.
Genome position (GRCh38, 1-based): chr1:1,342,363, T>C on the plus strand (A>G on the coding strand, the complement: DVL1 is on the minus strand). VCF-style: chr1-1342363-T-C. GRCh37 (hg19) VCF-style: chr1-1277743-T-C.
Other names: c.362A>G, p.His121Arg (NM_004421.3); short protein forms H121R.
Identifiers: ClinVar variation 1369173 (VCV001369173.8), dbSNP rs777929063, ClinGen allele CA520742.